The following is an entry in ClinVar:

NM_003737.4(DCHS1):c.4938G>T (p.Ala1646=)

Gene: DCHS1 (dachsous cadherin-related 1; minus strand). Cytogenetic location: 11p15.4.
Variant type: single nucleotide variant.
Coding change: c.4938G>T on transcript NM_003737.4 (MANE Select); coding-DNA position 4938, G replaced by T.
Protein change: p.Ala1646=; no amino-acid change (alanine 1646 retained).
Molecular consequence: synonymous variant.
Genome position (GRCh38, 1-based): chr11:6,629,769, C>A on the plus strand (G>T on the coding strand, the complement: DCHS1 is on the minus strand). VCF-style: chr11-6629769-C-A. GRCh37 (hg19) VCF-style: chr11-6651000-C-A.
Identifiers: ClinVar variation 710649 (VCV000710649.40), dbSNP rs77585323, ClinGen allele CA5860228.

ClinVar aggregate classification (germline): Benign/Likely benign. Review status: criteria provided, multiple submitters, no conflicts (2 of 4 stars). 8 submissions from 8 submitters: Benign (1); Likely benign (4). 3 of the submissions do not count toward it. Last evaluated 2026-09-01.

Conditions:
DCHS1-related disorder. Also called: DCHS1-related condition.

Allele frequency attached by ClinVar (database versions not stated): 1000 Genomes Project 0.00060; 1000 Genomes Project 30x 0.00062; ExAC 0.00155; gnomAD exomes 0.00158 and 0.00310; gnomAD 0.00187 and 0.00197; TOPMed 0.00189; ESP Exome Variant Server 0.00331.
gnomAD v4.1: 4,716 of 1,613,718 alleles (0.29%); highest among the groups gnomAD compares: Non-Finnish European, 0.38%; 10 homozygotes.

Submissions (12):

CeGaT Center for Human Genetics Tuebingen
Classification: Likely benign. Last evaluated: 2026-09-01. Review status: criteria provided, single submitter. Criteria: CeGaT Center For Human Genetics Tuebingen Variant Classification Criteria Version 2. Collection method: clinical testing. Allele origin: germline. Affected: yes. Observed: 10 variant alleles.
Comment: DCHS1: BP4, BP7

Labcorp Genetics (formerly Invitae), Labcorp
Classification: Benign. Last evaluated: 2026-02-04. Review status: criteria provided, single submitter. Criteria: Invitae Variant Classification Sherloc (09022015). Collection method: clinical testing. Allele origin: germline.

Blueprint Genetics
Classification: Likely benign. Last evaluated: 2024-11-26. Review status: criteria provided, single submitter. Criteria: ACMG Guidelines, 2015. Collection method: clinical testing. Allele origin: germline.

GeneDx
Classification: Likely benign. Last evaluated: 2021-03-30. Review status: criteria provided, single submitter. Criteria: GeneDx Variant Classification Process June 2021. Collection method: clinical testing. Allele origin: germline. Affected: yes.

Breakthrough Genomics
Classification: Likely benign. Review status: criteria provided, single submitter. Criteria: ACMG Guidelines, 2015. Collection method: not provided. Allele origin: germline. Inheritance: Autosomal recessive inheritance. Affected: yes.

PreventionGenetics, part of Exact Sciences
Classification: Likely benign for DCHS1-related condition. Last evaluated: 2019-10-29. Review status: no assertion criteria provided. Collection method: clinical testing. Allele origin: germline. Not counted in ClinVar's aggregate classification.
Comment: This variant is classified as likely benign based on ACMG/AMP sequence variant interpretation guidelines (Richards et al. 2015 PMID: 25741868, with internal and published modifications).

Clinical Genetics DNA and cytogenetics Diagnostics Lab, Erasmus MC, Erasmus Medical Center
Classification: Likely benign. Review status: no assertion criteria provided. Collection method: clinical testing. Allele origin: germline. Affected: yes. Study: VKGL Data-share Consensus. Not counted in ClinVar's aggregate classification.

Clinical Genetics, Academic Medical Center
Classification: Likely benign. Review status: no assertion criteria provided. Collection method: clinical testing. Allele origin: germline. Affected: yes. Study: VKGL Data-share Consensus. Not counted in ClinVar's aggregate classification.

Dr. Peter K. Rogan Lab, Western University
No classification provided (evidence only). Condition: Clear cell carcinoma of kidney. Review status: no classification provided. Collection method: in vitro. Allele origin: not applicable. Functional consequence: retained intron. Not counted in ClinVar's aggregate classification.

Dr. Peter K. Rogan Lab, Western University
No classification provided (evidence only). Condition: Thymoma. Review status: no classification provided. Collection method: in vitro. Allele origin: not applicable. Functional consequence: retained intron. Not counted in ClinVar's aggregate classification.

Dr. Peter K. Rogan Lab, Western University
No classification provided (evidence only). Condition: Ovarian serous cystadenocarcinoma. Review status: no classification provided. Collection method: in vitro. Allele origin: not applicable. Functional consequence: retained intron. Not counted in ClinVar's aggregate classification.

Dr. Peter K. Rogan Lab, Western University
No classification provided (evidence only). Condition: Ovarian serous cystadenocarcinoma. Review status: no classification provided. Collection method: in vitro. Allele origin: not applicable. Functional consequence: retained intron. Not counted in ClinVar's aggregate classification.